The following is an entry in ClinVar:

NM_001353345.2(SETD1B):c.4203G>A (p.Pro1401=)

Gene: SETD1B (SET domain containing 1B, histone lysine methyltransferase; plus strand). Cytogenetic location: 12q24.31.
Variant type: single nucleotide variant.
Coding change: c.4203G>A on transcript NM_001353345.2 (MANE Select); coding-DNA position 4203, G replaced by A.
Protein change: p.Pro1401=; no amino-acid change (proline 1401 retained).
Molecular consequence: synonymous variant.
Genome position (GRCh38, 1-based): chr12:121,822,782, G>A. VCF-style: chr12-121822782-G-A. GRCh37 (hg19) VCF-style: chr12-122260688-G-A.
Identifiers: ClinVar variation 2643470 (VCV002643470.24), dbSNP rs994444136, ClinGen allele CA244656407.

ClinVar aggregate classification (germline): Likely benign (1 of 4 stars; one submission).

Allele frequency attached by ClinVar (database versions not stated): gnomAD 0.00002; TOPMed 0.00002.
gnomAD v4.1: 42 of 1,513,128 alleles (0.0028%); highest among the groups gnomAD compares: South Asian, 0.024%; no homozygotes.

Submission:

CeGaT Center for Human Genetics Tuebingen
Classification: Likely benign. Last evaluated: 2022-07-01. Review status: criteria provided, single submitter. Criteria: CeGaT Center For Human Genetics Tuebingen Variant Classification Criteria Version 2. Collection method: clinical testing. Allele origin: germline. Affected: yes. Observed: 1 variant allele.
Comment: SETD1B: BP4, BP7